The following is an entry in ClinVar:

NM_007289.4(MME):c.920A>G (p.Gln307Arg)

Gene: MME (membrane metalloendopeptidase; plus strand). Cytogenetic location: 3q25.2.
Variant type: single nucleotide variant.
Coding change: c.920A>G on transcript NM_007289.4 (MANE Select); coding-DNA position 920, A replaced by G.
Protein change: p.Gln307Arg; replaces glutamine 307 with arginine.
Molecular consequence: missense variant.
Genome position (GRCh38, 1-based): chr3:155,140,255, A>G. VCF-style: chr3-155140255-A-G. GRCh37 (hg19) VCF-style: chr3-154858044-A-G.
Other names: c.920A>G, p.Gln307Arg (NM_000902.5, NM_001354642.2, NM_001354643.1 and 2 more transcripts); short protein forms Q307R.
Identifiers: ClinVar variation 1303958 (VCV001303958.2), dbSNP rs752553054, ClinGen allele CA2675323.

ClinVar aggregate classification (germline): Uncertain significance (1 of 4 stars; one submission).

Allele frequency attached by ClinVar (database versions not stated): gnomAD 0.00001; gnomAD exomes below 0.00001; ExAC 0.00001; TOPMed 0.00001.
gnomAD v4.1: 3 of 1,612,796 alleles (0.00019%); highest among the groups gnomAD compares: Middle Eastern, 0.016%; no homozygotes.

Submission:

GeneDx
Classification: Uncertain significance. Last evaluated: 2021-02-19. Review status: criteria provided, single submitter. Criteria: GeneDx Variant Classification Process June 2021. Collection method: clinical testing. Allele origin: germline. Affected: yes.
Comment: Not observed at a significant frequency in large population cohorts (Lek et al., 2016); In silico analysis supports that this missense variant does not alter protein structure/function; Has not been previously published as pathogenic or benign to our knowledge